The following is an entry in ClinVar:

ClinVar aggregate classification (germline): Uncertain significance (1 of 4 stars; one submission).

Conditions:
Hyperkalemic periodic paralysis. Also called: Familial hyperkalemic periodic paralysis; Gamstorp disease. Identifiers: Orphanet 682, MedGen C0238357, MONDO:0008224, OMIM 170500, HP:0007215.

Submission:

Labcorp Genetics (formerly Invitae), Labcorp
Classification: Uncertain significance for Hyperkalemic periodic paralysis. Last evaluated: 2021-12-02. Review status: criteria provided, single submitter. Criteria: Invitae Variant Classification Sherloc (09022015). Collection method: clinical testing. Allele origin: germline.
Comment: This variant is not present in population databases (gnomAD no frequency). In summary, the available evidence is currently insufficient to determine the role of this variant in disease. Therefore, it has been classified as a Variant of Uncertain Significance. Algorithms developed to predict the effect of missense changes on protein structure and function are either unavailable or do not agree on the potential impact of this missense change (SIFT: "Deleterious"; PolyPhen-2: "Probably Damaging"; Align-GVGD: "Class C15"). This variant has not been reported in the literature in individuals affected with SCN4A-related conditions. This sequence change replaces phenylalanine, which is neutral and non-polar, with leucine, which is neutral and non-polar, at codon 1412 of the SCN4A protein (p.Phe1412Leu).

NM_000334.4(SCN4A):c.4234T>C (p.Phe1412Leu)

Genes: GH-LCR (growth hormone locus control region; plus strand), SCN4A (sodium voltage-gated channel alpha subunit 4; minus strand). Cytogenetic location: 17q23.3.
Variant type: single nucleotide variant.
Coding change: c.4234T>C on transcript NM_000334.4 (MANE Select); coding-DNA position 4234, T replaced by C.
Protein change: p.Phe1412Leu; replaces phenylalanine 1412 with leucine.
Molecular consequence: missense variant.
Genome position (GRCh38, 1-based): chr17:63,942,880, A>G on the plus strand (T>C on the coding strand, the complement: SCN4A is on the minus strand). VCF-style: chr17-63942880-A-G. GRCh37 (hg19) VCF-style: chr17-62020240-A-G.
Other names: short protein forms F1412L.
Identifiers: ClinVar variation 1940797 (VCV001940797.5), dbSNP rs2509286695, ClinGen allele CA400616429.